The following is an entry in ClinVar:

ClinVar aggregate classification (germline): Pathogenic (0 of 4 stars; one submission).

Conditions:
Fanconi anemia complementation group E (FANCE). Also called: FANCE-Related Fanconi Anemia. Identifiers: Orphanet 84, MedGen C3160739, MONDO:0010953, OMIM 600901.

Submission:

Leiden Open Variation Database
Classification: Pathogenic for Fanconi anemia complementation group E. Last evaluated: 2020-02-28. Review status: no assertion criteria provided. Collection method: curation. Allele origin: germline. Affected: yes.
Comment: Curator: Arleen D. Auerbach. Submitter to LOVD: Arleen D. Auerbach.

NM_021922.3(FANCE):c.436del (p.Val146fs)

Gene: FANCE (FA complementation group E; plus strand). Cytogenetic location: 6p21.31.
Variant type: Deletion.
Coding change: c.436del on transcript NM_021922.3 (MANE Select); coding-DNA position 436, one base deleted (G; older notation c.436delG).
Protein change: p.Val146fs; shifts the reading frame from valine 146.
Molecular consequence: frameshift variant.
Genome position (GRCh38, 1-based): chr6:35,455,934, G deleted; the last of 5 consecutive G bases (chr6:35,455,930-35,455,934); deleting any one gives the same sequence. VCF-style (leftmost placement, unchanged base first): chr6-35455929-TG-T. GRCh37 (hg19) VCF-style: chr6-35423706-TG-T.
Other names: short protein forms V146fs.
Identifiers: ClinVar variation 929573 (VCV000929573.1), dbSNP rs1767313373, ClinGen allele CA1139659494.